The following is an entry in ClinVar:

ClinVar aggregate classification (germline): Likely benign. Review status: criteria provided, multiple submitters, no conflicts (2 of 4 stars). 3 submissions from 3 submitters: Likely benign (2). 1 of the submissions does not count toward it. Last evaluated 2025-09-02.

Conditions:
Intestinal hypomagnesemia 1. Also called: HYPOMAGNESEMIA, INTESTINAL, WITH SECONDARY HYPOCALCEMIA; HYPOMAGNESEMIC TETANY. Identifiers: Orphanet 30924, MedGen C1865974, MONDO:0011176, OMIM 602014.
TRPM6-related disorder. Also called: TRPM6-related condition.

Allele frequency attached by ClinVar (database versions not stated): ExAC 0.00014; ESP Exome Variant Server 0.00015; gnomAD exomes 0.00020 and 0.00023; gnomAD 0.00035 and 0.00036; 1000 Genomes Project 0.00040; TOPMed 0.00045; 1000 Genomes Project 30x 0.00062.
gnomAD v4.1: 386 of 1,614,038 alleles (0.024%); highest among the groups gnomAD compares: Admixed American, 0.075%; no homozygotes.

Submissions (3):

Labcorp Genetics (formerly Invitae), Labcorp
Classification: Likely benign. Last evaluated: 2025-09-02. Review status: criteria provided, single submitter. Criteria: Invitae Variant Classification Sherloc (09022015). Collection method: clinical testing. Allele origin: germline.

Fulgent Genetics
Classification: Likely benign for Intestinal hypomagnesemia 1. Last evaluated: 2022-02-23. Review status: criteria provided, single submitter. Criteria: ACMG Guidelines, 2015. Collection method: clinical testing. Allele origin: unknown.

PreventionGenetics, part of Exact Sciences
Classification: Likely benign for TRPM6-related condition. Last evaluated: 2024-06-03. Review status: no assertion criteria provided. Collection method: clinical testing. Allele origin: germline. Not counted in ClinVar's aggregate classification.
Comment: This variant is classified as likely benign based on ACMG/AMP sequence variant interpretation guidelines (Richards et al. 2015 PMID: 25741868, with internal and published modifications).

NM_017662.5(TRPM6):c.4719G>A (p.Ala1573=)

Gene: TRPM6 (transient receptor potential cation channel subfamily M member 6; minus strand). Cytogenetic location: 9q21.13.
Variant type: single nucleotide variant.
Coding change: c.4719G>A on transcript NM_017662.5 (MANE Select); coding-DNA position 4719, G replaced by A.
Protein change: p.Ala1573=; no amino-acid change (alanine 1573 retained).
Molecular consequence: synonymous variant.
Genome position (GRCh38, 1-based): chr9:74,761,762, C>T on the plus strand (G>A on the coding strand, the complement: TRPM6 is on the minus strand). VCF-style: chr9-74761762-C-T. GRCh37 (hg19) VCF-style: chr9-77376678-C-T.
Other names: c.4704G>A, p.Ala1568= (NM_001177310.2, NM_001177311.2).
Identifiers: ClinVar variation 721751 (VCV000721751.11), dbSNP rs41304234, ClinGen allele CA5084039.